The following is an entry in ClinVar:

ClinVar aggregate classification (germline): Pathogenic (1 of 4 stars; one submission).

Conditions:
Hereditary breast ovarian cancer syndrome. Also called: Hereditary breast and ovarian cancer syndrome; Hereditary breast and/or ovarian cancer syndrome; Hereditary breast and ovarian cancer; Hereditary breast and ovarian cancer syndrome (HBOC); BRCA1- and BRCA2-Associated Hereditary Breast and Ovarian Cancer; Breast and ovarian cancer. Identifiers: Orphanet 145, MedGen C0677776, MeSH D061325, MONDO:0003582. Disease mechanism: loss of function.

Submission:

Women's Health and Genetics/Laboratory Corporation of America, LabCorp
Classification: Pathogenic for Hereditary breast ovarian cancer syndrome. Last evaluated: 2025-03-19. Review status: criteria provided, single submitter. Criteria: LabCorp Variant Classification Summary - May 2015. Collection method: clinical testing. Allele origin: germline.
Comment: Variant summary: BRCA1 c.2309_2311delinsGAC (p.Ser770X) results in a premature termination codon, predicted to cause a truncation of the encoded protein or absence of the protein due to nonsense mediated decay, which are commonly known mechanisms for disease. The variant was absent in 1613608 control chromosomes. To our knowledge, no occurrence of c.2309_2311delinsGAC in individuals affected with Hereditary Breast And Ovarian Cancer Syndrome and no experimental evidence demonstrating its impact on protein function have been reported, however other variants with the same protein effect (c.2309C>G, p.Ser770Ter and c.2309C>A, p.Ser770Ter) are both pathogenic in ClinVar. No submitters have cited clinical-significance assessments for this c. variant to ClinVar. Based on the evidence outlined above, the variant was classified as pathogenic.

NM_007294.4(BRCA1):c.2309_2311delinsGAC (p.Ser770_Leu771delinsTer)

Gene: BRCA1 (BRCA1 DNA repair associated; minus strand). Cytogenetic location: 17q21.31.
Variant type: Indel.
Coding change: c.2309_2311delinsGAC on transcript NM_007294.4 (MANE Select); coding-DNA positions 2309 to 2311, CAT replaced by GAC.
Protein change: p.Ser770_Leu771delinsTer.
Molecular consequence: nonsense. On other transcripts: intron variant (137).
Genome position (GRCh38, 1-based): chr17:43,093,220-43,093,222, ATG replaced by GTC on the plus strand (CAT replaced by GAC on the coding strand, the reverse complement: BRCA1 is on the minus strand). VCF-style: chr17-43093220-ATG-GTC. GRCh37 (hg19) VCF-style: chr17-41245237-ATG-GTC.
Other names: c.2096_2098delinsGAC, p.Ser699_Leu700delinsTer (NM_001407571.1, NM_001407853.1, NM_001407894.1 and 9 more transcripts); c.2309_2311delinsGAC, p.Ser770_Leu771delinsTer (NM_001407581.1, NM_001407582.1, NM_001407583.1 and 30 more transcripts); c.2306_2308delinsGAC, p.Ser769_Leu770delinsTer (NM_001407587.1, NM_001407590.1, NM_001407591.1 and 22 more transcripts); c.2300_2302delinsGAC, p.Ser767_Leu768delinsTer (NM_001407646.1, NM_001407647.1); c.2186_2188delinsGAC, p.Ser729_Leu730delinsTer (NM_001407648.1, NM_001407664.1, NM_001407665.1 and 19 more transcripts); c.2183_2185delinsGAC, p.Ser728_Leu729delinsTer (NM_001407649.1, NM_001407670.1, NM_001407671.1 and 11 more transcripts); c.2231_2233delinsGAC, p.Ser744_Leu745delinsTer (NM_001407653.1, NM_001407654.1, NM_001407655.1 and 4 more transcripts); c.2228_2230delinsGAC, p.Ser743_Leu744delinsTer (NM_001407659.1, NM_001407660.1, NM_001407661.1 and 1 more transcripts); and 41 more; short protein forms S770*.
Identifiers: ClinVar variation 3896107 (VCV003896107.1).